The following is an entry in ClinVar:

NM_000815.5(GABRD):c.1145G>A (p.Arg382His)

Gene: GABRD (gamma-aminobutyric acid type A receptor subunit delta; plus strand). Cytogenetic location: 1p36.33.
Variant type: single nucleotide variant.
Coding change: c.1145G>A on transcript NM_000815.5 (MANE Select); coding-DNA position 1145, G replaced by A.
Protein change: p.Arg382His; replaces arginine 382 with histidine.
Molecular consequence: missense variant.
Genome position (GRCh38, 1-based): chr1:2,030,068, G>A. VCF-style: chr1-2030068-G-A. GRCh37 (hg19) VCF-style: chr1-1961507-G-A.
Other names: c.1145G>A (NM_000815.4); short protein forms R382H.
Identifiers: ClinVar variation 2920035 (VCV002920035.5), dbSNP rs771493470, ClinGen allele CA534925.

ClinVar aggregate classification (germline): Uncertain significance. Review status: criteria provided, multiple submitters, no conflicts (2 of 4 stars). 3 submissions from 3 submitters: Uncertain significance (3). Last evaluated 2025-08-27.

Conditions:
Inborn genetic diseases. Identifiers: MedGen C0950123, MeSH D030342.
Idiopathic generalized epilepsy. Also called: Generalised epilepsy; EIG. Identifiers: MedGen C0270850, MONDO:0005579, OMIM 600669.

Allele frequency attached by ClinVar (database versions not stated): gnomAD 0.00001; TOPMed 0.00001.
gnomAD v4.1: 20 of 1,609,436 alleles (0.0012%); highest among the groups gnomAD compares: Middle Eastern, 0.016%; no homozygotes.

Submissions (3):

Ambry Genetics
Classification: Uncertain significance for Inborn genetic diseases. Last evaluated: 2025-08-27. Review status: criteria provided, single submitter. Criteria: Ambry Variant Classification Scheme 2023. Collection method: clinical testing. Allele origin: germline.

Labcorp Genetics (formerly Invitae), Labcorp
Classification: Uncertain significance for Idiopathic generalized epilepsy. Last evaluated: 2024-05-15. Review status: criteria provided, single submitter. Criteria: Invitae Variant Classification Sherloc (09022015). Collection method: clinical testing. Allele origin: germline.
Comment: This sequence change replaces arginine, which is basic and polar, with histidine, which is basic and polar, at codon 382 of the GABRD protein (p.Arg382His). This variant is present in population databases (rs771493470, gnomAD 0.0009%). This variant has not been reported in the literature in individuals affected with GABRD-related conditions. An algorithm developed to predict the effect of missense changes on protein structure and function (PolyPhen-2) suggests that this variant is likely to be disruptive. In summary, the available evidence is currently insufficient to determine the role of this variant in disease. Therefore, it has been classified as a Variant of Uncertain Significance.

Women's Health and Genetics/Laboratory Corporation of America, LabCorp
Classification: Uncertain significance. Last evaluated: 2024-04-15. Review status: criteria provided, single submitter. Criteria: LabCorp Variant Classification Summary - May 2015. Collection method: clinical testing. Allele origin: germline.
Comment: Variant summary: GABRD c.1145G>A (p.Arg382His) results in a non-conservative amino acid change in the encoded protein sequence. Three of five in-silico tools predict a benign effect of the variant on protein function. The variant allele was found at a frequency of 4.1e-06 in 244314 control chromosomes (gnomAD). The available data on variant occurrences in the general population are insufficient to allow any conclusion about variant significance. To our knowledge, no occurrence of c.1145G>A in individuals affected with GABRD-Related Disorders and no experimental evidence demonstrating its impact on protein function have been reported. ClinVar contains an entry for this variant (Variation ID: 2920035). Based on the evidence outlined above, the variant was classified as uncertain significance.